The following is an entry in ClinVar:

ClinVar aggregate classification (germline): Uncertain significance (1 of 4 stars; one submission).

gnomAD v4.1: 10 of 1,207,065 alleles (0.00083%); highest among the groups gnomAD compares: African/African-American, 0.016%; no homozygotes.

Submission:

Labcorp Genetics (formerly Invitae), Labcorp
Classification: Uncertain significance. Last evaluated: 2023-05-22. Review status: criteria provided, single submitter. Criteria: Invitae Variant Classification Sherloc (09022015). Collection method: clinical testing. Allele origin: germline.
Comment: In summary, the available evidence is currently insufficient to determine the role of this variant in disease. Therefore, it has been classified as a Variant of Uncertain Significance. Advanced modeling of protein sequence and biophysical properties (such as structural, functional, and spatial information, amino acid conservation, physicochemical variation, residue mobility, and thermodynamic stability) has been performed at Invitae for this missense variant, however the output from this modeling did not meet the statistical confidence thresholds required to predict the impact of this variant on POLA1 protein function. ClinVar contains an entry for this variant (Variation ID: 1943200). This variant has not been reported in the literature in individuals affected with POLA1-related conditions. This variant is not present in population databases (gnomAD no frequency). This sequence change replaces asparagine, which is neutral and polar, with isoleucine, which is neutral and non-polar, at codon 1355 of the POLA1 protein (p.Asn1355Ile).

NM_001330360.2(POLA1):c.4082A>T (p.Asn1361Ile)

Gene: POLA1 (DNA polymerase alpha 1, catalytic subunit; plus strand). Cytogenetic location: Xp22.11.
Variant type: single nucleotide variant.
Coding change: c.4082A>T on transcript NM_001330360.2 (MANE Select); coding-DNA position 4082, A replaced by T.
Protein change: p.Asn1361Ile; replaces asparagine 1361 with isoleucine.
Molecular consequence: missense variant. On other transcripts: non-coding transcript variant (2).
Genome position (GRCh38, 1-based): chrX:24,888,040, A>T. VCF-style: chrX-24888040-A-T. GRCh37 (hg19) VCF-style: chrX-24906157-A-T.
Other names: c.4007A>T, p.Asn1336Ile (NM_001378303.1); c.4064A>T, p.Asn1355Ile (NM_016937.4); short protein forms N1355I, N1336I, N1361I.
Identifiers: ClinVar variation 1943200 (VCV001943200.5), dbSNP rs747410080, ClinGen allele CA10373676.